The following is an entry in ClinVar:

NM_004815.4(ARHGAP29):c.3238A>G (p.Ile1080Val)

Gene: ARHGAP29 (Rho GTPase activating protein 29; minus strand). Cytogenetic location: 1p22.1.
Variant type: single nucleotide variant.
Coding change: c.3238A>G on transcript NM_004815.4 (MANE Select); coding-DNA position 3238, A replaced by G.
Protein change: p.Ile1080Val; replaces isoleucine 1080 with valine.
Molecular consequence: missense variant.
Genome position (GRCh38, 1-based): chr1:94,174,417, T>C on the plus strand (A>G on the coding strand, the complement: ARHGAP29 is on the minus strand). VCF-style: chr1-94174417-T-C. GRCh37 (hg19) VCF-style: chr1-94639973-T-C.
Other names: c.3238A>G, p.Ile1080Val (NM_001328664.2); c.3046A>G, p.Ile1016Val (NM_001328665.2, NM_001328667.2); c.3211A>G, p.Ile1071Val (NM_001328666.2); short protein forms I1080V, I1016V, I1071V.
Identifiers: ClinVar variation 3731225 (VCV003731225.1).

ClinVar aggregate classification (germline): Uncertain significance (1 of 4 stars; one submission).

Submission:

GeneDx
Classification: Uncertain significance. Last evaluated: 2024-08-14. Review status: criteria provided, single submitter. Criteria: GeneDx Variant Classification Process June 2021. Collection method: clinical testing. Allele origin: germline. Affected: yes.
Comment: Not observed at significant frequency in large population cohorts (gnomAD); In silico analysis indicates that this missense variant does not alter protein structure/function; Has not been previously published as pathogenic or benign to our knowledge